The following is an entry in ClinVar:

ClinVar aggregate classification (germline): Uncertain significance (1 of 4 stars; one submission).

Conditions:
Developmental and epileptic encephalopathy, 23 (DEE23). Also called: Epileptic encephalopathy, early infantile, 23. Identifiers: Orphanet 411986, MedGen C4014492, MONDO:0014371, OMIM 615859.

Submission:

Labcorp Genetics (formerly Invitae), Labcorp
Classification: Uncertain significance for Developmental and epileptic encephalopathy, 23. Last evaluated: 2020-12-08. Review status: criteria provided, single submitter. Criteria: Invitae Variant Classification Sherloc (09022015). Collection method: clinical testing. Allele origin: germline.
Comment: This variant has not been reported in the literature in individuals with DOCK7-related conditions. This variant is not present in population databases (ExAC no frequency). This sequence change replaces glycine with valine at codon 1670 of the DOCK7 protein (p.Gly1670Val). The glycine residue is highly conserved and there is a moderate physicochemical difference between glycine and valine. Algorithms developed to predict the effect of missense changes on protein structure and function (SIFT, PolyPhen-2, Align-GVGD) all suggest that this variant is likely to be disruptive, but these predictions have not been confirmed by published functional studies and their clinical significance is uncertain. In summary, the available evidence is currently insufficient to determine the role of this variant in disease. Therefore, it has been classified as a Variant of Uncertain Significance. Algorithms developed to predict the effect of sequence changes on RNA splicing suggest that this variant may create or strengthen a splice site, but this prediction has not been confirmed by published transcriptional studies.

NM_001367561.1(DOCK7):c.5036G>T (p.Gly1679Val)

Gene: DOCK7 (dedicator of cytokinesis 7; minus strand). Cytogenetic location: 1p31.3.
Variant type: single nucleotide variant.
Coding change: c.5036G>T on transcript NM_001367561.1 (MANE Select); coding-DNA position 5036, G replaced by T.
Protein change: p.Gly1679Val; replaces glycine 1679 with valine.
Molecular consequence: missense variant.
Genome position (GRCh38, 1-based): chr1:62,494,456, C>A on the plus strand (G>T on the coding strand, the complement: DOCK7 is on the minus strand). VCF-style: chr1-62494456-C-A. GRCh37 (hg19) VCF-style: chr1-62960127-C-A.
Other names: c.5009G>T, p.Gly1670Val (NM_001271999.2, NM_001330614.2); c.4916G>T, p.Gly1639Val (NM_001272000.2, NM_001272001.2); c.4943G>T, p.Gly1648Val (NM_033407.4); short protein forms G1648V, G1670V, G1639V, G1679V.
Identifiers: ClinVar variation 1354782 (VCV001354782.8), dbSNP rs2149299073, ClinGen allele CA340612415.
Genomic context (GRCh38, chr1:62,494,456, plus strand): 5'-GAGTGCTTGCCTGCCATGTTCTGCAACCAGGTCAATCGCAGATCTGGAGAGGTCTGGTAA[C>A]CCTTGGCAATTCTAATTAGAACAGAAATTCTTCTCCATTAGTATGTGCTTCCCAAGCTGG-3'
Protein context (NP_001354490.1, residues 1669-1689): LIDLMYRIAK[Gly1679Val]YQTSPDLRLT